The following is an entry in ClinVar:

ClinVar aggregate classification (germline): Pathogenic (1 of 4 stars; one submission).

Conditions:
Ataxia-telangiectasia syndrome (AT). Also called: LOUIS-BAR SYNDROME; Cerebello-oculocutaneous telangiectasia; Immunodeficiency with ataxia telangiectasia; ATAXIA-TELANGIECTASIA, COMPLEMENTATION GROUP A; ATAXIA-TELANGIECTASIA, FRESNO VARIANT; Ataxia-telangiectasia, complementation group D. Identifiers: Orphanet 100, MedGen C0004135, MONDO:0008840, OMIM 208900.

Submission:

Labcorp Genetics (formerly Invitae), Labcorp
Classification: Pathogenic for Ataxia-telangiectasia syndrome. Last evaluated: 2021-10-02. Review status: criteria provided, single submitter. Criteria: Invitae Variant Classification Sherloc (09022015). Collection method: clinical testing. Allele origin: germline.
Comment: This sequence change creates a premature translational stop signal (p.Glu498Serfs*14) in the ATM gene. It is expected to result in an absent or disrupted protein product. Loss-of-function variants in ATM are known to be pathogenic (PMID: 23807571, 25614872). This variant is not present in population databases (ExAC no frequency). This variant has not been reported in the literature in individuals affected with ATM-related conditions. For these reasons, this variant has been classified as Pathogenic.

Literature cited by the submitters: PubMed 23807571; PubMed 25614872.

NM_000051.4(ATM):c.1491del (p.Glu498fs)

Gene: ATM (ATM serine/threonine kinase; plus strand). Cytogenetic location: 11q22.3.
Variant type: Deletion.
Coding change: c.1491del on transcript NM_000051.4 (MANE Select); coding-DNA position 1491, one base deleted (T; older notation c.1491delT).
Protein change: p.Glu498fs; shifts the reading frame from glutamic acid 498.
Molecular consequence: frameshift variant.
Genome position (GRCh38, 1-based): chr11:108,250,956, T deleted. VCF-style (leftmost placement, unchanged base first): chr11-108250955-CT-C. GRCh37 (hg19) VCF-style: chr11-108121682-CT-C.
Other names: c.1491del, p.Glu498fs (NM_001351834.2); short protein forms E498fs.
Identifiers: ClinVar variation 1419124 (VCV001419124.6), dbSNP rs2135324604, ClinGen allele CA2573146654.